The following is an entry in ClinVar:

ClinVar aggregate classification (germline): Uncertain significance (1 of 4 stars; one submission).

Conditions:
Primary ciliary dyskinesia. Also called: Ciliary dyskinesia. Identifiers: Orphanet 244, MedGen C0008780, MONDO:0016575, HP:0012265.

Allele frequency attached by ClinVar (database versions not stated): TOPMed below 0.00001; ExAC 0.00001; gnomAD exomes 0.00001.
gnomAD v4.1: 9 of 1,599,930 alleles (0.00056%); highest among the groups gnomAD compares: Non-Finnish European, 0.00068%; no homozygotes.

Submission:

Labcorp Genetics (formerly Invitae), Labcorp
Classification: Uncertain significance for Primary ciliary dyskinesia. Last evaluated: 2022-08-19. Review status: criteria provided, single submitter. Criteria: Invitae Variant Classification Sherloc (09022015). Collection method: clinical testing. Allele origin: germline.
Comment: In summary, the available evidence is currently insufficient to determine the role of this variant in disease. Therefore, it has been classified as a Variant of Uncertain Significance. Algorithms developed to predict the effect of missense changes on protein structure and function are either unavailable or do not agree on the potential impact of this missense change (SIFT: "Deleterious"; PolyPhen-2: "Not Available"; Align-GVGD: "Class C15"). This variant has not been reported in the literature in individuals affected with DNAH8-related conditions. This variant is present in population databases (rs748431291, gnomAD no frequency). This sequence change replaces aspartic acid, which is acidic and polar, with glycine, which is neutral and non-polar, at codon 3074 of the DNAH8 protein (p.Asp3074Gly).

NM_001206927.2(DNAH8):c.9221A>G (p.Asp3074Gly)

Gene: DNAH8 (dynein axonemal heavy chain 8; plus strand). Cytogenetic location: 6p21.2.
Variant type: single nucleotide variant.
Coding change: c.9221A>G on transcript NM_001206927.2 (MANE Select); coding-DNA position 9221, A replaced by G.
Protein change: p.Asp3074Gly; replaces aspartic acid 3074 with glycine.
Molecular consequence: missense variant.
Genome position (GRCh38, 1-based): chr6:38,906,280, A>G. VCF-style: chr6-38906280-A-G. GRCh37 (hg19) VCF-style: chr6-38874056-A-G.
Other names: c.8570A>G, p.Asp2857Gly (NM_001371.4); short protein forms D3074G, D2857G.
Identifiers: ClinVar variation 2012285 (VCV002012285.4), dbSNP rs748431291, ClinGen allele CA3790435.